The following is an entry in ClinVar:

NM_016356.5(DCDC2):c.529dup (p.Ile177fs)

Gene: DCDC2 (doublecortin domain containing 2; minus strand). Cytogenetic location: 6p22.3.
Variant type: Duplication.
Coding change: c.529dup on transcript NM_016356.5 (MANE Select); coding-DNA position 529, one base duplicated (A; older notation c.529dupA).
Protein change: p.Ile177fs; shifts the reading frame from isoleucine 177.
Molecular consequence: frameshift variant.
Genome position (GRCh38, 1-based): chr6:24,301,743, T duplicated on the plus strand (A on the coding strand, the reverse complement: DCDC2 is on the minus strand); the first of 6 consecutive T bases (chr6:24,301,743-24,301,748); duplicating any one gives the same sequence. VCF-style (leftmost placement, unchanged base first): chr6-24301742-A-AT. GRCh37 (hg19) VCF-style: chr6-24301970-A-AT.
Other names: c.529dupA (NM_016356.4); c.529dup, p.Ile177fs (NM_001195610.2); short protein forms I177fs.
Identifiers: ClinVar variation 417769 (VCV000417769.19), dbSNP rs904944428, ClinGen allele CA136637324.

ClinVar aggregate classification (germline): Pathogenic. Review status: criteria provided, multiple submitters, no conflicts (2 of 4 stars). 7 submissions from 7 submitters: Pathogenic (6). 1 of the submissions does not count toward it. Last evaluated 2026-08-19.

Conditions:
Isolated neonatal sclerosing cholangitis (NSC). Also called: Sclerosing cholangitis, neonatal. Identifiers: Orphanet 480556, MedGen C4479344, MONDO:0018816, OMIM 617394.
Autosomal recessive nonsyndromic hearing loss 66 (DFNB66). Also called: Deafness, autosomal recessive 66. Identifiers: Orphanet 90636, MedGen C1857750, MONDO:0012442, OMIM 610212.
Nephronophthisis 19 (NPHP19). Identifiers: Orphanet 84081, MedGen C4015542, MONDO:0014537, OMIM 616217.

Submissions (7):

Molecular Genetics Laboratory, CHU Lille
Classification: Pathogenic for Isolated neonatal sclerosing cholangitis. Last evaluated: 2026-08-19. Review status: criteria provided, single submitter. Criteria: ACMG Guidelines, 2015. Collection method: clinical testing. Allele origin: germline. Affected: yes.
Comment: This sequence change introduces a premature stop codon (p.Ile177AsnfsTer20) in DCDC2, which is predicted to result in a loss-of-function effect—a known disease mechanism for this gene. It has been observed in affected siblings with neonatal sclerosing cholangitis (PMID: 27469900), is present in population databases at an extremely low frequency (heterozygous allele only), and is classified as pathogenic in ClinVar. Therefore, it is classified as Pathogenic.

Fulgent Genetics
Classification: Pathogenic for Autosomal recessive nonsyndromic hearing loss 66; Nephronophthisis 19; Isolated neonatal sclerosing cholangitis. Last evaluated: 2024-04-23. Review status: criteria provided, single submitter. Criteria: ACMG Guidelines, 2015. Collection method: clinical testing. Allele origin: germline.

GeneDx
Classification: Pathogenic. Last evaluated: 2023-01-18. Review status: criteria provided, single submitter. Criteria: GeneDx Variant Classification Process June 2021. Collection method: clinical testing. Allele origin: germline. Affected: yes.
Comment: Frameshift variant predicted to result in protein truncation or nonsense mediated decay in a gene for which loss-of-function is a known mechanism of disease; Not observed at a significant frequency in large population cohorts (gnomAD); This variant is associated with the following publications: (PMID: 30078246, 27469900)

Department of Pathology and Laboratory Medicine, Sinai Health System
Classification: Pathogenic for Isolated neonatal sclerosing cholangitis. Last evaluated: 2022-05-17. Review status: criteria provided, single submitter. Criteria: ACMG Guidelines, 2015. Collection method: research. Allele origin: germline.

Labcorp Genetics (formerly Invitae), Labcorp
Classification: Pathogenic for Autosomal recessive nonsyndromic hearing loss 66; Isolated neonatal sclerosing cholangitis. Last evaluated: 2019-10-30. Review status: criteria provided, single submitter. Criteria: Invitae Variant Classification Sherloc (09022015). Collection method: clinical testing. Allele origin: germline.
Comment: This sequence change creates a premature translational stop signal (p.Ile177Asnfs*20) in the DCDC2 gene. It is expected to result in an absent or disrupted protein product. For these reasons, this variant has been classified as Pathogenic. Loss-of-function variants in DCDC2 are known to be pathogenic (PMID: 25557784). This variant has been reported in siblings affected with neonatal sclerosing cholangitis (PMID: 27469900). ClinVar contains an entry for this variant (Variation ID: 417769). This variant is not present in population databases (ExAC no frequency).

Eurofins Ntd Llc (ga)
Classification: Pathogenic. Last evaluated: 2017-04-11. Review status: criteria provided, single submitter. Criteria: EGL Classification Definitions 2015. Collection method: clinical testing. Allele origin: germline. Observed: 1 variant allele, 1 heterozygote.

OMIM
Classification: Pathogenic for SCLEROSING CHOLANGITIS, NEONATAL. Last evaluated: 2017-03-28. Review status: no assertion criteria provided. Collection method: literature only. Allele origin: germline. Not counted in ClinVar's aggregate classification.

Literature cited by the submitters: PubMed 27469900 (cited by 4 submitters); PubMed 25557784 (cited by Labcorp Genetics (formerly Invitae), Labcorp).